The following is an entry in ClinVar:

NM_017662.5(TRPM6):c.5735A>G (p.Tyr1912Cys)

Gene: TRPM6 (transient receptor potential cation channel subfamily M member 6; minus strand). Cytogenetic location: 9q21.13.
Variant type: single nucleotide variant.
Coding change: c.5735A>G on transcript NM_017662.5 (MANE Select); coding-DNA position 5735, A replaced by G.
Protein change: p.Tyr1912Cys; replaces tyrosine 1912 with cysteine.
Molecular consequence: missense variant.
Genome position (GRCh38, 1-based): chr9:74,738,448, T>C on the plus strand (A>G on the coding strand, the complement: TRPM6 is on the minus strand). VCF-style: chr9-74738448-T-C. GRCh37 (hg19) VCF-style: chr9-77353364-T-C.
Other names: c.5720A>G, p.Tyr1907Cys (NM_001177310.2, NM_001177311.2); short protein forms Y1907C, Y1912C.
Identifiers: ClinVar variation 2431689 (VCV002431689.2), dbSNP rs1446407268, ClinGen allele CA373673379.
Genomic context (GRCh38, chr9:74,738,448, plus strand): 5'-ATCCTACATCATCAATCACCTTGCAAATCTAAAACCAGCAGCTCTCCCCGAGTGTACTCA[T>C]AGGTCCAGTGAGAGAAAGCCAACATCAGCTCCTCCAGGGTGTTGGTGGGGGTGATTTCAT-3'
Protein context (NP_060132.3, residues 1902-1922): ELMLAFSHWT[Tyr1912Cys]EYTRGELLVL

ClinVar aggregate classification (germline): Uncertain significance (1 of 4 stars; one submission).

Conditions:
Intestinal hypomagnesemia 1. Also called: HYPOMAGNESEMIA, INTESTINAL, WITH SECONDARY HYPOCALCEMIA; HYPOMAGNESEMIC TETANY. Identifiers: Orphanet 30924, MedGen C1865974, MONDO:0011176, OMIM 602014.

Allele frequency attached by ClinVar (database versions not stated): TOPMed below 0.00001; gnomAD 0.00001.
gnomAD v4.1: 1 of 1,613,996 alleles (0.000062%); no homozygotes.

Submission:

Laboratorio de Genetica e Diagnostico Molecular, Hospital Israelita Albert Einstein
Classification: Uncertain significance for Intestinal hypomagnesemia 1. Last evaluated: 2022-08-31. Review status: criteria provided, single submitter. Criteria: ACMG Guidelines, 2015. Collection method: clinical testing. Allele origin: germline. Affected: yes.
Comment: ACMG classification criteria: PM2 moderated